The following is an entry in ClinVar:

ClinVar aggregate classification (germline): Likely benign (1 of 4 stars; one submission).

Submission:

CeGaT Center for Human Genetics Tuebingen
Classification: Likely benign. Last evaluated: 2025-08-01. Review status: criteria provided, single submitter. Criteria: CeGaT Center For Human Genetics Tuebingen Variant Classification Criteria Version 2. Collection method: clinical testing. Allele origin: germline. Affected: yes. Observed: 1 variant allele.
Comment: GPC3: BP4, BP7

NM_004484.4(GPC3):c.621A>G (p.Val207=)

Gene: GPC3 (glypican 3; minus strand). Cytogenetic location: Xq26.2.
Variant type: single nucleotide variant.
Coding change: c.621A>G on transcript NM_004484.4 (MANE Select); coding-DNA position 621, A replaced by G.
Protein change: p.Val207=; no amino-acid change (valine 207 retained).
Molecular consequence: synonymous variant.
Genome position (GRCh38, 1-based): chrX:133,753,893, T>C on the plus strand (A>G on the coding strand, the complement: GPC3 is on the minus strand). VCF-style: chrX-133753893-T-C. GRCh37 (hg19) VCF-style: chrX-132887920-T-C.
Other names: c.621A>G, p.Val207= (NM_001164617.2); c.573A>G, p.Val191= (NM_001164618.2); c.459A>G, p.Val153= (NM_001164619.2).
Identifiers: ClinVar variation 4084760 (VCV004084760.8).